The following is an entry in ClinVar:

ClinVar aggregate classification (germline): Uncertain significance (1 of 4 stars; one submission).

Conditions:
Cardiovascular phenotype. Identifiers: MedGen CN230736.

Submission:

Ambry Genetics
Classification: Uncertain significance for Cardiovascular phenotype. Last evaluated: 2019-11-12. Review status: criteria provided, single submitter. Criteria: Ambry Variant Classification Scheme 2023. Collection method: clinical testing. Allele origin: germline.
Comment: The p.P52A variant (also known as c.154C>G), located in coding exon 1 of the BAG3 gene, results from a C to G substitution at nucleotide position 154. The proline at codon 52 is replaced by alanine, an amino acid with highly similar properties. This amino acid position is highly conserved in available vertebrate species. In addition, this alteration is predicted to be deleterious by in silico analysis. Since supporting evidence is limited at this time, the clinical significance of this alteration remains unclear.

NM_004281.4(BAG3):c.154C>G (p.Pro52Ala)

Gene: BAG3 (BAG cochaperone 3; plus strand). Cytogenetic location: 10q26.11.
Variant type: single nucleotide variant.
Coding change: c.154C>G on transcript NM_004281.4 (MANE Select); coding-DNA position 154, C replaced by G.
Protein change: p.Pro52Ala; replaces proline 52 with alanine.
Molecular consequence: missense variant.
Genome position (GRCh38, 1-based): chr10:119,651,829, C>G. VCF-style: chr10-119651829-C-G. GRCh37 (hg19) VCF-style: chr10-121411341-C-G.
Other names: short protein forms P52A.
Identifiers: ClinVar variation 1775015 (VCV001775015.2), dbSNP rs2493980138, ClinGen allele CA378294294.